The following is an entry in ClinVar:

NM_002098.6(GUCA1B):c.560G>T (p.Ser187Ile)

Gene: GUCA1B (guanylate cyclase activator 1B; minus strand). Cytogenetic location: 6p21.1.
Variant type: single nucleotide variant.
Coding change: c.560G>T on transcript NM_002098.6 (MANE Select); coding-DNA position 560, G replaced by T.
Protein change: p.Ser187Ile; replaces serine 187 with isoleucine.
Molecular consequence: missense variant.
Genome position (GRCh38, 1-based): chr6:42,184,858, C>A on the plus strand (G>T on the coding strand, the complement: GUCA1B is on the minus strand). VCF-style: chr6-42184858-C-A. GRCh37 (hg19) VCF-style: chr6-42152596-C-A.
Other names: short protein forms S187I.
Identifiers: ClinVar variation 1470677 (VCV001470677.6), dbSNP rs377286851, ClinGen allele CA3805499.
Genomic context (GRCh38, chr6:42,184,858, plus strand): 5'-GAGGGGCCCCAGACTCCTCAGAACATGGCACTTTTCCGTCTCTGCTGAGCGAGCCAGCTG[C>A]TGGGATTCATGTCCATCTGCAGCATCTTCATCACCCACTTGTCCCGACGGGCACCTTCAA-3'
Protein context (NP_002089.4, residues 177-197): MKMLQMDMNP[Ser187Ile]SWLAQQRRKS

ClinVar aggregate classification (germline): Uncertain significance (1 of 4 stars; one submission).

Allele frequency attached by ClinVar (database versions not stated): gnomAD 0.00001; ESP Exome Variant Server 0.00008.
gnomAD v4.1: 3 of 1,614,178 alleles (0.00019%); highest among the groups gnomAD compares: African/African-American, 0.0013%; no homozygotes.

Submission:

Labcorp Genetics (formerly Invitae), Labcorp
Classification: Uncertain significance. Last evaluated: 2025-07-31. Review status: criteria provided, single submitter. Criteria: Invitae Variant Classification Sherloc (09022015). Collection method: clinical testing. Allele origin: germline.
Comment: This sequence change replaces serine, which is neutral and polar, with isoleucine, which is neutral and non-polar, at codon 187 of the GUCA1B protein (p.Ser187Ile). This variant is present in population databases (rs377286851, gnomAD 0.007%). This variant has not been reported in the literature in individuals affected with GUCA1B-related conditions. ClinVar contains an entry for this variant (Variation ID: 1470677). An algorithm developed to predict the effect of missense changes on protein structure and function (PolyPhen-2) suggests that this variant is likely to be tolerated. In summary, the available evidence is currently insufficient to determine the role of this variant in disease. Therefore, it has been classified as a Variant of Uncertain Significance.